The following is an entry in ClinVar:

ClinVar aggregate classification (germline): Uncertain significance (1 of 4 stars; one submission).

Allele frequency attached by ClinVar (database versions not stated): ExAC 0.00001.
gnomAD v4.1: 1 of 1,607,828 alleles (0.000062%); no homozygotes.

Submission:

Ambry Genetics
Classification: Uncertain significance. Last evaluated: 2024-11-15. Review status: criteria provided, single submitter. Criteria: Ambry Variant Classification Scheme 2023. Collection method: clinical testing. Allele origin: germline.
Comment: The p.K2577R variant (also known as c.7730A>G), located in coding exon 30 of the POLQ gene, results from an A to G substitution at nucleotide position 7730. The lysine at codon 2577 is replaced by arginine, an amino acid with highly similar properties. This amino acid position is conserved. In addition, this alteration is predicted to be tolerated by in silico analysis. Since supporting evidence is limited at this time, the clinical significance of this alteration remains unclear.

NM_199420.4(POLQ):c.7730A>G (p.Lys2577Arg)

Gene: POLQ (DNA polymerase theta; minus strand). Cytogenetic location: 3q13.33.
Variant type: single nucleotide variant.
Coding change: c.7730A>G on transcript NM_199420.4 (MANE Select); coding-DNA position 7730, A replaced by G.
Protein change: p.Lys2577Arg; replaces lysine 2577 with arginine.
Molecular consequence: missense variant.
Genome position (GRCh38, 1-based): chr3:121,432,347, T>C on the plus strand (A>G on the coding strand, the complement: POLQ is on the minus strand). VCF-style: chr3-121432347-T-C. GRCh37 (hg19) VCF-style: chr3-121151194-T-C.
Other names: short protein forms K2577R.
Identifiers: ClinVar variation 1760359 (VCV001760359.3), dbSNP rs746660883, ClinGen allele CA2562083.